The following is an entry in ClinVar:

ClinVar aggregate classification (germline): Uncertain significance (1 of 4 stars; one submission).

Conditions:
Charcot-Marie-Tooth disease axonal type 2F (CMT2F). Also called: CHARCOT-MARIE-TOOTH DISEASE, NEURONAL, TYPE 2F; Charcot-Marie-Tooth Neuropathy Type 2F. Identifiers: Orphanet 99940, MedGen C1847823, MONDO:0011687, OMIM 606595.

Submissions (2):

Labcorp Genetics (formerly Invitae), Labcorp
Classification: Uncertain significance for Charcot-Marie-Tooth disease axonal type 2F. Last evaluated: 2022-11-11. Review status: criteria provided, single submitter. Criteria: Invitae Variant Classification Sherloc (09022015). Collection method: clinical testing. Allele origin: germline.
Comment: This variant is not present in population databases (gnomAD no frequency). This variant has not been reported in the literature in individuals affected with HSPB1-related conditions. Advanced modeling of protein sequence and biophysical properties (such as structural, functional, and spatial information, amino acid conservation, physicochemical variation, residue mobility, and thermodynamic stability) performed at Invitae indicates that this missense variant is not expected to disrupt HSPB1 protein function. Algorithms developed to predict the effect of sequence changes on RNA splicing suggest that this variant may create or strengthen a splice site. In summary, the available evidence is currently insufficient to determine the role of this variant in disease. Therefore, it has been classified as a Variant of Uncertain Significance. This sequence change replaces glutamic acid, which is acidic and polar, with glutamine, which is neutral and polar, at codon 160 of the HSPB1 protein (p.Glu160Gln).

Dr. Peter K. Rogan Lab, Western University
No classification provided (evidence only). Condition: Cervical cancer. Review status: no classification provided. Collection method: in vitro. Allele origin: not applicable. Functional consequence: cryptic splice site. Not counted in ClinVar's aggregate classification.

NM_001540.5(HSPB1):c.478G>C (p.Glu160Gln)

Gene: HSPB1 (heat shock protein family B (small) member 1; plus strand). Cytogenetic location: 7q11.23.
Variant type: single nucleotide variant.
Coding change: c.478G>C on transcript NM_001540.5 (MANE Select); coding-DNA position 478, G replaced by C.
Protein change: p.Glu160Gln; replaces glutamic acid 160 with glutamine.
Molecular consequence: missense variant.
Genome position (GRCh38, 1-based): chr7:76,304,033, G>C. VCF-style: chr7-76304033-G-C. GRCh37 (hg19) VCF-style: chr7-75933350-G-C.
Other names: short protein forms E160Q.
Identifiers: ClinVar variation 2813636 (VCV002813636.4), dbSNP rs1449874513, ClinGen allele CA367765911.